The following is an entry in ClinVar:

NM_000246.4(CIITA):c.1924G>A (p.Val642Ile)

Gene: CIITA (class II major histocompatibility complex transactivator; plus strand). Cytogenetic location: 16p13.13.
Variant type: single nucleotide variant.
Coding change: c.1924G>A on transcript NM_000246.4 (MANE Select); coding-DNA position 1924, G replaced by A.
Protein change: p.Val642Ile; replaces valine 642 with isoleucine.
Molecular consequence: missense variant. On other transcripts: intron variant (1).
Genome position (GRCh38, 1-based): chr16:10,907,416, G>A. VCF-style: chr16-10907416-G-A. GRCh37 (hg19) VCF-style: chr16-11001273-G-A.
Other names: c.1927G>A, p.Val643Ile (NM_001286402.1, NM_001379332.1); c.1780G>A, p.Val594Ile (NM_001379330.1); c.1777G>A, p.Val593Ile (NM_001379331.1); c.1924G>A, p.Val642Ile (NM_001379333.1); c.1855G>A, p.Val619Ile (NM_001379334.1); c.860-1567G>A (NM_001286403.2); short protein forms V594I, V593I, V642I, V619I, V643I.
Identifiers: ClinVar variation 2155881 (VCV002155881.1), dbSNP rs767469776, ClinGen allele CA7900246.

ClinVar aggregate classification (germline): Uncertain significance (1 of 4 stars; one submission).

Conditions:
MHC class II deficiency. Also called: Bare lymphocyte syndrome 2; BLS, TYPE II. Identifiers: Orphanet 572, MedGen C5447452, MONDO:0008855.

Allele frequency attached by ClinVar (database versions not stated): ExAC 0.00001; gnomAD 0.00001; TOPMed 0.00001.
gnomAD v4.1: 4 of 1,613,014 alleles (0.00025%); highest among the groups gnomAD compares: East Asian, 0.0045%; no homozygotes.

Submission:

Labcorp Genetics (formerly Invitae), Labcorp
Classification: Uncertain significance for MHC class II deficiency. Last evaluated: 2022-10-04. Review status: criteria provided, single submitter. Criteria: Invitae Variant Classification Sherloc (09022015). Collection method: clinical testing. Allele origin: germline.
Comment: This sequence change replaces valine, which is neutral and non-polar, with isoleucine, which is neutral and non-polar, at codon 642 of the CIITA protein (p.Val642Ile). This variant is present in population databases (rs767469776, gnomAD 0.006%). This variant has not been reported in the literature in individuals affected with CIITA-related conditions. Algorithms developed to predict the effect of missense changes on protein structure and function are either unavailable or do not agree on the potential impact of this missense change (SIFT: "Tolerated"; PolyPhen-2: "Possibly Damaging"; Align-GVGD: "Class C0"). In summary, the available evidence is currently insufficient to determine the role of this variant in disease. Therefore, it has been classified as a Variant of Uncertain Significance.